The following is an entry in ClinVar:

NM_000384.3(APOB):c.5044A>G (p.Met1682Val)

Gene: APOB (apolipoprotein B; minus strand). Cytogenetic location: 2p24.1.
Variant type: single nucleotide variant.
Coding change: c.5044A>G on transcript NM_000384.3 (MANE Select); coding-DNA position 5044, A replaced by G.
Protein change: p.Met1682Val; replaces methionine 1682 with valine.
Molecular consequence: missense variant.
Genome position (GRCh38, 1-based): chr2:21,011,824, T>C on the plus strand (A>G on the coding strand, the complement: APOB is on the minus strand). VCF-style: chr2-21011824-T-C. GRCh37 (hg19) VCF-style: chr2-21234696-T-C.
Other names: short protein forms M1682V.
Identifiers: ClinVar variation 630410 (VCV000630410.15), dbSNP rs140858817, ClinGen allele CA1546538.

ClinVar aggregate classification (germline): Conflicting classifications of pathogenicity. Review status: criteria provided, conflicting classifications (1 of 4 stars). 6 submissions from 6 submitters: Uncertain significance (4); Likely benign (2). Last evaluated 2026-08-27.

Conditions:
Cardiovascular phenotype. Identifiers: MedGen CN230736.
Familial hypercholesterolemia. Also called: Familial hypercholesterolemias; Familial hypercholesterolaemia. Identifiers: MedGen C0020445, MONDO:0005439.
Hypercholesterolemia, autosomal dominant, type B (FHCL2). Also called: HYPERCHOLESTEROLEMIA, FAMILIAL, DUE TO LIGAND-DEFECTIVE APOLIPOPROTEIN B; APOB-Related Familial Hypercholesterolemia, Autosomal Dominant; Familial Hypercholesterolemia Type B; Familial hypercholesterolemia 2; APOLIPOPROTEIN B-100, FAMILIAL DEFECTIVE; APOLIPOPROTEIN B-100, FAMILIAL LIGAND-DEFECTIVE. Identifiers: MedGen C1704417, MONDO:0007751, OMIM 144010.
Familial hypobetalipoproteinemia 1. Also called: Hypobetalipoproteinemia, normotriglyceridemic; Acanthocytosis with hypobetalipoproteinemia; APOB-Related Familial Hypobetalipoproteinemia. Identifiers: MedGen C4551990, MONDO:0014252, OMIM 615558.

Allele frequency attached by ClinVar (database versions not stated): gnomAD exomes 0.00002; TOPMed 0.00004; ExAC 0.00005; gnomAD 0.00008 and 0.00009; 1000 Genomes Project 30x 0.00031; 1000 Genomes Project 0.00040.

Submissions (6):

Cambridge Genomics Laboratory, East Genomic Laboratory Hub, NHS Genomic Medicine Service
Classification: Uncertain significance for Familial hypercholesterolaemia. Last evaluated: 2026-08-27. Review status: criteria provided, single submitter. Criteria: ACGS Best Practice Guidelines for Variant Classification in Rare Disease 2020. Collection method: clinical testing. Allele origin: germline. Affected: yes.
Comment: PM2_Supporting

Ambry Genetics
Classification: Likely benign for Cardiovascular phenotype. Last evaluated: 2025-08-25. Review status: criteria provided, single submitter. Criteria: Ambry Variant Classification Scheme 2023. Collection method: clinical testing. Allele origin: germline.

Molecular Diagnostic Laboratory for Inherited Cardiovascular Disease, Montreal Heart Institute
Classification: Uncertain significance for Cardiovascular phenotype. Last evaluated: 2025-04-09. Review status: criteria provided, single submitter. Criteria: ACMG Guidelines, 2015. Collection method: clinical testing. Allele origin: germline. Affected: yes.

Quest Diagnostics Nichols Institute San Juan Capistrano
Classification: Uncertain significance. Last evaluated: 2024-09-11. Review status: criteria provided, single submitter. Criteria: Quest Diagnostics criteria. Collection method: clinical testing. Allele origin: unknown.
Comment: The APOB c.5044A>G (p.Met1682Val) variant has not been reported in individuals with APOB-related conditions in the published literature. The frequency of this variant in the general population, 0.00012 (3/24962 chromosomes (Genome Aggregation Database)), is uninformative in the assessment of its pathogenicity. Analysis of this variant using bioinformatics tools for the prediction of the effect of amino acid changes on protein structure and function yielded predictions that this variant is benign. Based on the available information, we are unable to determine the clinical significance of this variant.

Labcorp Genetics (formerly Invitae), Labcorp
Classification: Likely benign for Familial hypobetalipoproteinemia 1; Hypercholesterolemia, autosomal dominant, type B. Last evaluated: 2024-08-24. Review status: criteria provided, single submitter. Criteria: Invitae Variant Classification Sherloc (09022015). Collection method: clinical testing. Allele origin: germline.

GeneDx
Classification: Uncertain significance. Last evaluated: 2023-07-25. Review status: criteria provided, single submitter. Criteria: GeneDx Variant Classification Process June 2021. Collection method: clinical testing. Allele origin: germline. Affected: yes.
Comment: In silico analysis supports that this missense variant does not alter protein structure/function; Has not been previously published as pathogenic or benign to our knowledge